The following is an entry in ClinVar:

ClinVar aggregate classification (germline): Pathogenic/Likely pathogenic. Review status: criteria provided, multiple submitters, no conflicts (2 of 4 stars). 3 submissions from 3 submitters: Pathogenic (1); Likely pathogenic (2). Last evaluated 2024-11-18.

Conditions:
Polycystic kidney disease 4 (PKD4). Also called: POLYCYSTIC KIDNEY DISEASE 4 WITH OR WITHOUT POLYCYSTIC LIVER DISEASE; PKD3; POLYCYSTIC KIDNEY AND HEPATIC DISEASE 1; POLYCYSTIC KIDNEY DISEASE, INFANTILE, TYPE I; Autosomal Recessive Polycystic Kidney Disease – PKHD1. Identifiers: MedGen C4540575, MONDO:0033004, OMIM 263200.
Autosomal recessive polycystic kidney disease (ARPKD). Also called: AR polycystic kidney disease. Identifiers: Orphanet 731, Orphanet 8378, MedGen C0085548, MeSH D017044, MONDO:0009889.

Allele frequency attached by ClinVar (database versions not stated): gnomAD exomes below 0.00001.

Submissions (3):

Natera, Inc.
Classification: Likely pathogenic for Autosomal recessive polycystic kidney disease. Last evaluated: 2024-11-18. Review status: criteria provided, single submitter. Criteria: Natera Variant Classification Schema (03/2026). Collection method: clinical testing. Allele origin: germline.
Comment: The c.7973_7977delTGCCG variant in PKHD1 is a frameshift variant predicted to shift the reading frame beginning at codon 2658 and leads to a stop codon 4 codons downstream. This variant is expected to result in nonsense mediated decay, truncation, or a dysfunctional protein product. This variant is rare in the general population with a frequency below the threshold expected for the associated phenotype(s). Given the available evidence, this variant is classified as Likely Pathogenic.

Baylor Genetics
Classification: Likely pathogenic for Polycystic kidney disease 4. Last evaluated: 2022-10-11. Review status: criteria provided, single submitter. Criteria: ACMG Guidelines, 2015. Collection method: clinical testing. Allele origin: unknown.

Labcorp Genetics (formerly Invitae), Labcorp
Classification: Pathogenic for Autosomal recessive polycystic kidney disease. Last evaluated: 2018-12-11. Review status: criteria provided, single submitter. Criteria: Invitae Variant Classification Sherloc (09022015). Collection method: clinical testing. Allele origin: germline.
Comment: This sequence change creates a premature translational stop signal (p.Leu2658Serfs*4) in the PKHD1 gene. It is expected to result in an absent or disrupted protein product. This variant is not present in population databases (ExAC no frequency). This variant has not been reported in the literature in individuals with PKHD1-related conditions. Loss-of-function variants in PKHD1 are known to be pathogenic (PMID: 19940839). For these reasons, this variant has been classified as Pathogenic.

NM_138694.4(PKHD1):c.7973_7977del (p.Leu2658fs)

Gene: PKHD1 (PKHD1 ciliary IPT domain containing fibrocystin/polyductin; minus strand). Cytogenetic location: 6p12.2.
Variant type: Deletion.
Coding change: c.7973_7977del on transcript NM_138694.4 (MANE Select); coding-DNA positions 7973 to 7977, 5 bases deleted (TGCCG; older notation c.7973_7977delTGCCG).
Protein change: p.Leu2658fs; shifts the reading frame from leucine 2658.
Molecular consequence: frameshift variant.
Genome position (GRCh38, 1-based): chr6:51,847,905-51,847,909, CGGCA deleted on the plus strand (TGCCG on the coding strand, the reverse complement: PKHD1 is on the minus strand). VCF-style (leftmost placement, unchanged base first): chr6-51847904-GCGGCA-G. GRCh37 (hg19) VCF-style: chr6-51712702-GCGGCA-G.
Other names: c.7973_7977del, p.Leu2658fs (NM_170724.3); short protein forms L2658fs.
Identifiers: ClinVar variation 642865 (VCV000642865.3), dbSNP rs1583013487, ClinGen allele CA915944277.